The following is an entry in ClinVar:

NM_006236.3(POU3F3):c.382G>T (p.Gly128Cys)

Gene: POU3F3 (POU class 3 homeobox 3; plus strand). Cytogenetic location: 2q12.1.
Variant type: single nucleotide variant.
Coding change: c.382G>T on transcript NM_006236.3 (MANE Select); coding-DNA position 382, G replaced by T.
Protein change: p.Gly128Cys; replaces glycine 128 with cysteine.
Molecular consequence: missense variant.
Genome position (GRCh38, 1-based): chr2:104,855,892, G>T. VCF-style: chr2-104855892-G-T. GRCh37 (hg19) VCF-style: chr2-105472350-G-T.
Other names: short protein forms G128C.
Identifiers: ClinVar variation 2579420 (VCV002579420.2), dbSNP rs2466874958, ClinGen allele CA348096626.

ClinVar aggregate classification (germline): Uncertain significance (1 of 4 stars; one submission).

Submission:

GeneDx
Classification: Uncertain significance. Last evaluated: 2023-12-21. Review status: criteria provided, single submitter. Criteria: GeneDx Variant Classification Process June 2021. Collection method: clinical testing. Allele origin: germline. Affected: yes.
Comment: In silico analysis supports that this missense variant has a deleterious effect on protein structure/function; Not observed at significant frequency in large population cohorts (gnomAD); Has not been previously published as pathogenic or benign to our knowledge